The following is an entry in ClinVar:

ClinVar aggregate classification (germline): Uncertain significance. Review status: criteria provided, multiple submitters, no conflicts (2 of 4 stars). 2 submissions from 2 submitters: Uncertain significance (2). Last evaluated 2025-11-16.

Conditions:
Inborn genetic diseases. Identifiers: MedGen C0950123, MeSH D030342.

Allele frequency attached by ClinVar (database versions not stated): ExAC 0.00001; gnomAD 0.00001; ESP Exome Variant Server 0.00008; gnomAD exomes 0.00001; TOPMed 0.00001.
gnomAD v4.1: 11 of 1,613,932 alleles (0.00068%); highest among the groups gnomAD compares: Non-Finnish European, 0.00093%; no homozygotes.

Submissions (2):

Labcorp Genetics (formerly Invitae), Labcorp
Classification: Uncertain significance. Last evaluated: 2025-11-16. Review status: criteria provided, single submitter. Criteria: Invitae Variant Classification Sherloc (09022015). Collection method: clinical testing. Allele origin: germline.
Comment: This sequence change replaces histidine, which is basic and polar, with proline, which is neutral and non-polar, at codon 1549 of the POLR1A protein (p.His1549Pro). This variant is present in population databases (rs368528609, gnomAD 0.0009%). This variant has not been reported in the literature in individuals affected with POLR1A-related conditions. ClinVar contains an entry for this variant (Variation ID: 3003671). Invitae Evidence Modeling of protein sequence and biophysical properties (such as structural, functional, and spatial information, amino acid conservation, physicochemical variation, residue mobility, and thermodynamic stability) indicates that this missense variant is not expected to disrupt POLR1A protein function with a negative predictive value of 80%. In summary, the available evidence is currently insufficient to determine the role of this variant in disease. Therefore, it has been classified as a Variant of Uncertain Significance.

Ambry Genetics
Classification: Uncertain significance for Inborn genetic diseases. Last evaluated: 2025-08-31. Review status: criteria provided, single submitter. Criteria: Ambry Variant Classification Scheme 2023. Collection method: clinical testing. Allele origin: germline.

NM_015425.6(POLR1A):c.4646A>C (p.His1549Pro)

Gene: POLR1A (RNA polymerase I subunit A; minus strand). Cytogenetic location: 2p11.2.
Variant type: single nucleotide variant.
Coding change: c.4646A>C on transcript NM_015425.6 (MANE Select); coding-DNA position 4646, A replaced by C.
Protein change: p.His1549Pro; replaces histidine 1549 with proline.
Molecular consequence: missense variant.
Genome position (GRCh38, 1-based): chr2:86,030,329, T>G on the plus strand (A>C on the coding strand, the complement: POLR1A is on the minus strand). VCF-style: chr2-86030329-T-G. GRCh37 (hg19) VCF-style: chr2-86257452-T-G.
Other names: c.4646A>C (NM_015425.3); short protein forms H1549P.
Identifiers: ClinVar variation 3003671 (VCV003003671.4), dbSNP rs368528609, ClinGen allele CA1745439.
Genomic context (GRCh38, chr2:86,030,329, plus strand): 5'-TTGGTTGTTTCATTCAGGAGGCACCGAGTGATGCCCTTGGTCGCATAGATGACGGCACCA[T>G]GGGCCAAAGATACTACCAGGGAGCTCATGTCAAAGTTGATCTTCATCAGAGGGAGCTTCA-3'
Protein context (NP_056240.2, residues 1539-1559): DMSSLVVSLA[His1549Pro]GAVIYATKGI